The following is an entry in ClinVar:

NM_016169.4(SUFU):c.502G>C (p.Asp168His)

Gene: SUFU (SUFU negative regulator of hedgehog signaling; plus strand). Cytogenetic location: 10q24.32.
Variant type: single nucleotide variant.
Coding change: c.502G>C on transcript NM_016169.4 (MANE Select); coding-DNA position 502, G replaced by C.
Protein change: p.Asp168His; replaces aspartic acid 168 with histidine.
Molecular consequence: missense variant.
Genome position (GRCh38, 1-based): chr10:102,592,629, G>C. VCF-style: chr10-102592629-G-C. GRCh37 (hg19) VCF-style: chr10-104352386-G-C.
Other names: c.502G>C, p.Asp168His (NM_001178133.2); short protein forms D168H.
Identifiers: ClinVar variation 1315696 (VCV001315696.4), dbSNP rs2135866726, ClinGen allele CA377908267.

ClinVar aggregate classification (germline): Uncertain significance. Review status: criteria provided, multiple submitters, no conflicts (2 of 4 stars). 2 submissions from 2 submitters: Uncertain significance (2). Last evaluated 2026-10-19.

Conditions:
Hereditary cancer-predisposing syndrome. Also called: Neoplastic Syndromes, Hereditary; Tumor predisposition; Hereditary Cancer Syndrome; Hereditary neoplastic syndrome. Identifiers: Orphanet 140162, MedGen C0027672, MeSH D009386, MONDO:0015356.

Submissions (2):

GeneDx
Classification: Uncertain significance. Last evaluated: 2026-10-19. Review status: criteria provided, single submitter. Criteria: GeneDx Variant Classification Process June 2021. Collection method: clinical testing. Allele origin: germline.
Comment: Not observed at significant frequency in large population cohorts (gnomAD); In silico analysis supports that this missense variant has a deleterious effect on protein structure/function; Has not been previously published as pathogenic or benign to our knowledge; This variant is associated with the following publications: (PMID: 24311597)

Ambry Genetics
Classification: Uncertain significance for Hereditary cancer-predisposing syndrome. Last evaluated: 2025-03-21. Review status: criteria provided, single submitter. Criteria: Ambry Variant Classification Scheme 2023. Collection method: clinical testing. Allele origin: germline.
Comment: The p.D168H variant (also known as c.502G>C), located in coding exon 4 of the SUFU gene, results from a G to C substitution at nucleotide position 502. The aspartic acid at codon 168 is replaced by histidine, an amino acid with similar properties. This amino acid position is highly conserved in available vertebrate species. In addition, this alteration is predicted to be deleterious by in silico analysis. Based on the available evidence, the clinical significance of this variant remains unclear.